The following is an entry in ClinVar:

NM_000145.4(FSHR):c.[2039G>A;919G>A]

Variant type: Haplotype.
Identifiers: ClinVar variation 3236850 (VCV003236850.2).

ClinVar aggregate classification (germline): Benign (0 of 4 stars; one submission).

Conditions:
FOLLICLE-STIMULATING HORMONE RECEPTOR POLYMORPHISM.

Submission:

OMIM
Classification: Benign for FOLLICLE-STIMULATING HORMONE RECEPTOR POLYMORPHISM. Last evaluated: 2000-09-09. Review status: no assertion criteria provided. Collection method: literature only. Allele origin: germline.

Literature cited by the submitters: PubMed 11036902; PubMed 8636335; PubMed 10022448.